The following is an entry in ClinVar:

NM_000400.4(ERCC2):c.1847_1850del (p.Arg616fs)

Gene: ERCC2 (ERCC excision repair 2, TFIIH core complex helicase subunit; minus strand). Cytogenetic location: 19q13.32.
Variant type: Microsatellite.
Coding change: c.1847_1850del on transcript NM_000400.4 (MANE Select); coding-DNA positions 1847 to 1850, 4 bases deleted (GGGC; older notation c.1847_1850delGGGC).
Protein change: p.Arg616fs; shifts the reading frame from arginine 616.
Molecular consequence: frameshift variant.
Genome position (GRCh38, 1-based): chr19:45,352,798-45,352,801, GCCC deleted on the plus strand (GGGC on the coding strand, the reverse complement: ERCC2 is on the minus strand); deleting any 4 consecutive bases within chr19:45,352,798-45,352,806 gives the same sequence; the c. name uses the placement nearest the transcript's 3' end. VCF-style (leftmost placement, unchanged base first): chr19-45352797-GGCCC-G. GRCh37 (hg19) VCF-style: chr19-45856055-GGCCC-G.
Other names: short protein forms R616fs.
Identifiers: ClinVar variation 3023764 (VCV003023764.4), dbSNP rs2514000268, ClinGen allele CA2740096931.
Genomic context (GRCh38, chr19:45,352,797, plus strand): 5'-GCTACTCACCTTGAGAATGCGGCTCTGTGTGTAGACGTAGGGGACGCCAAACATGATGAC[GGCCC>G]GCCCGTAGTGGTGCACTGGTGGGCAGAGGAGAGGGGGCGAGGGGGGTTACAAGTGTGGCT-3'

ClinVar aggregate classification (germline): Pathogenic/Likely pathogenic. Review status: criteria provided, multiple submitters, no conflicts (2 of 4 stars). 2 submissions from 2 submitters: Pathogenic (1); Likely pathogenic (1). Last evaluated 2026-01-17.

Conditions:
Cerebrooculofacioskeletal syndrome 2 (COFS2). Identifiers: MedGen C1853102, MONDO:0012553, OMIM 610756.
Xeroderma pigmentosum, group D (XPD). Also called: ERCC2-Related Xeroderma Pigmentosum; XERODERMA PIGMENTOSUM IV; XP, GROUP D; XP, GROUP H; XERODERMA PIGMENTOSUM, COMPLEMENTATION GROUP D. Identifiers: MedGen C0268138, MONDO:0010212, OMIM 278730.
Trichothiodystrophy 1, photosensitive (TTD1). Also called: TAY SYNDROME; TRICHOTHIODYSTROPHY WITH CONGENITAL ICHTHYOSIS; PIBIDS SYNDROME. Identifiers: Orphanet 33364, MedGen C1866504, MONDO:0011125, OMIM 601675.

Submissions (2):

Labcorp Genetics (formerly Invitae), Labcorp
Classification: Pathogenic. Last evaluated: 2026-01-17. Review status: criteria provided, single submitter. Criteria: Invitae Variant Classification Sherloc (09022015). Collection method: clinical testing. Allele origin: germline.
Comment: This sequence change creates a premature translational stop signal (p.Arg616Profs*92) in the ERCC2 gene. It is expected to result in an absent or disrupted protein product. Loss-of-function variants in ERCC2 are known to be pathogenic (PMID: 9238033, 11335038, 19085937, 19934020). This variant is not present in population databases (gnomAD no frequency). This variant has not been reported in the literature in individuals affected with ERCC2-related conditions. For these reasons, this variant has been classified as Pathogenic.

Fulgent Genetics
Classification: Likely pathogenic for Xeroderma pigmentosum, group D; Trichothiodystrophy 1, photosensitive; Cerebrooculofacioskeletal syndrome 2. Last evaluated: 2024-02-07. Review status: criteria provided, single submitter. Criteria: ACMG Guidelines, 2015. Collection method: clinical testing. Allele origin: germline.

Literature cited by the submitters: PubMed 9238033 (cited by Labcorp Genetics (formerly Invitae), Labcorp); PubMed 11335038 (cited by Labcorp Genetics (formerly Invitae), Labcorp); PubMed 19085937 (cited by Labcorp Genetics (formerly Invitae), Labcorp); PubMed 19934020 (cited by Labcorp Genetics (formerly Invitae), Labcorp).